The following is an entry in ClinVar:

NM_020706.2(SCAF4):c.176del (p.Lys59fs)

Gene: SCAF4 (SR-related CTD associated factor 4; minus strand). Cytogenetic location: 21q22.11.
Variant type: Deletion.
Coding change: c.176del on transcript NM_020706.2 (MANE Select); coding-DNA position 176, one base deleted (A; older notation c.176delA).
Protein change: p.Lys59fs; shifts the reading frame from lysine 59.
Molecular consequence: frameshift variant.
Genome position (GRCh38, 1-based): chr21:31,703,910, T deleted on the plus strand (A on the coding strand, the reverse complement: SCAF4 is on the minus strand); the first of 2 consecutive T bases (chr21:31,703,910-31,703,911); deleting either gives the same sequence. VCF-style (leftmost placement, unchanged base first): chr21-31703909-CT-C. GRCh37 (hg19) VCF-style: chr21-33076222-CT-C.
Other names: c.131del, p.Lys44fs (NM_001145444.1); c.176del, p.Lys59fs (NM_001145445.1); short protein forms K44fs, K59fs.
Identifiers: ClinVar variation 4818971 (VCV004818971.1).
Genomic context (GRCh38, chr21:31,703,909, plus strand): 5'-AGTTCCAAACTGATGACGAGACTGTCGCACAATTGAGTCAATTACATATAATCCCGGAAC[CT>C]TGTATTCTGGTTTACACTGCAAGGATAAAGATGTAAGATCAGTACAGAAAAAGCAAAGTC-3'

ClinVar aggregate classification (germline): Pathogenic (1 of 4 stars; one submission).

Conditions:
Fliedner-Zweier syndrome (FZS). Identifiers: MedGen C5882693, MONDO:0957787, OMIM 620511.

Submission:

Victorian Clinical Genetics Services, Murdoch Childrens Research Institute
Classification: Pathogenic for Fliedner-Zweier syndrome. Last evaluated: 2025-12-22. Review status: criteria provided, single submitter. Criteria: ACMG Guidelines, 2015. Collection method: clinical testing. Allele origin: germline. Affected: yes.
Comment: This variant is classified as Pathogenic. Evidence in support of pathogenic classification: Variant is predicted to cause nonsense-mediated decay (NMD) and loss of protein (premature termination codon is located at least 54 nucleotides upstream of the final exon-exon junction); Variant is absent from gnomAD (v2, v3 and v4); Other NMD-predicted variant(s) comparable to the one identified in this case have very strong previous evidence for pathogenicity (DECIPHER, PMID: 40290495, PMID: 39668183); Additional information: This variant is heterozygous; This gene is associated with autosomal dominant disease; This variant has no previous evidence of pathogenicity; No published evidence of segregation with disease has been identified for this variant; No published functional evidence has been identified for this variant; Loss of function is a known mechanism of disease in this gene and is associated with Fliedner-Zweier syndrome (MIM#620511); Variants in this gene are known to have variable expressivity (PMID: 32730804).

Literature cited by the submitters: PubMed 39668183; PubMed 40290495; PubMed 32730804.